The following is an entry in ClinVar:

NM_018192.4(P3H2):c.1829A>C (p.Tyr610Ser)

Gene: P3H2 (prolyl 3-hydroxylase 2; minus strand). Cytogenetic location: 3q28.
Variant type: single nucleotide variant.
Coding change: c.1829A>C on transcript NM_018192.4 (MANE Select); coding-DNA position 1829, A replaced by C.
Protein change: p.Tyr610Ser; replaces tyrosine 610 with serine.
Molecular consequence: missense variant.
Genome position (GRCh38, 1-based): chr3:189,970,880, T>G on the plus strand (A>C on the coding strand, the complement: P3H2 is on the minus strand). VCF-style: chr3-189970880-T-G. GRCh37 (hg19) VCF-style: chr3-189688669-T-G.
Other names: c.1286A>C, p.Tyr429Ser (NM_001134418.2); short protein forms Y429S, Y610S.
Identifiers: ClinVar variation 937946 (VCV000937946.6), dbSNP rs376254011, ClinGen allele CA2752751.

ClinVar aggregate classification (germline): Uncertain significance. Review status: criteria provided, multiple submitters, no conflicts (2 of 4 stars). 3 submissions from 3 submitters: Uncertain significance (3). Last evaluated 2024-08-05.

Conditions:
Inborn genetic diseases. Identifiers: MedGen C0950123, MeSH D030342.

Allele frequency attached by ClinVar (database versions not stated): TOPMed 0.00014; ESP Exome Variant Server 0.00015.
gnomAD v4.1: 30 of 1,559,616 alleles (0.0019%); highest among the groups gnomAD compares: African/African-American, 0.039%; no homozygotes.

Submissions (3):

Ambry Genetics
Classification: Uncertain significance for Inborn genetic diseases. Last evaluated: 2024-08-05. Review status: criteria provided, single submitter. Criteria: Ambry Variant Classification Scheme 2023. Collection method: clinical testing. Allele origin: germline.

Labcorp Genetics (formerly Invitae), Labcorp
Classification: Uncertain significance. Last evaluated: 2023-08-28. Review status: criteria provided, single submitter. Criteria: Invitae Variant Classification Sherloc (09022015). Collection method: clinical testing. Allele origin: germline.
Comment: This sequence change replaces tyrosine, which is neutral and polar, with serine, which is neutral and polar, at codon 610 of the P3H2 protein (p.Tyr610Ser). This variant is present in population databases (rs376254011, gnomAD 0.03%). This variant has not been reported in the literature in individuals affected with P3H2-related conditions. ClinVar contains an entry for this variant (Variation ID: 937946). Advanced modeling of protein sequence and biophysical properties (such as structural, functional, and spatial information, amino acid conservation, physicochemical variation, residue mobility, and thermodynamic stability) performed at Invitae indicates that this missense variant is expected to disrupt P3H2 protein function. In summary, the available evidence is currently insufficient to determine the role of this variant in disease. Therefore, it has been classified as a Variant of Uncertain Significance.

Blueprint Genetics
Classification: Uncertain significance. Last evaluated: 2023-03-27. Review status: criteria provided, single submitter. Criteria: ACMG Guidelines, 2015. Collection method: clinical testing. Allele origin: germline.